The following is an entry in ClinVar:

ClinVar aggregate classification (germline): Likely pathogenic (1 of 4 stars; one submission).

Submission:

Labcorp Genetics (formerly Invitae), Labcorp
Classification: Likely pathogenic. Last evaluated: 2025-08-29. Review status: criteria provided, single submitter. Criteria: Invitae Variant Classification Sherloc (09022015). Collection method: clinical testing. Allele origin: germline.
Comment: This sequence change affects a donor splice site in intron 3 of the LOX gene. It is expected to disrupt RNA splicing. Variants that disrupt the donor or acceptor splice site typically lead to a loss of protein function (PMID: 16199547), and loss-of-function variants in LOX are known to be pathogenic (PMID: 12417550, 26838787, 27432961). This variant is not present in population databases (gnomAD no frequency). This variant has not been reported in the literature in individuals affected with LOX-related conditions. Algorithms developed to predict the effect of sequence changes on RNA splicing suggest that this variant may disrupt the consensus splice site. In summary, the currently available evidence indicates that the variant is pathogenic, but additional data are needed to prove that conclusively. Therefore, this variant has been classified as Likely Pathogenic.

Literature cited by the submitters: PubMed 16199547; PubMed 12417550; PubMed 26838787; PubMed 27432961.

NM_002317.7(LOX):c.878+1G>A

Genes: LOX (lysyl oxidase; minus strand), SRFBP1 (serum response factor binding protein 1; plus strand). Cytogenetic location: 5q23.1.
Variant type: single nucleotide variant.
Coding change: c.878+1G>A on transcript NM_002317.7 (MANE Select); the canonical splice donor site of the intron after coding-DNA position 878, G replaced by A.
Molecular consequence: splice donor variant.
Genome position (GRCh38, 1-based): chr5:122,075,403, C>T on the plus strand (G>A on the coding strand, the complement: LOX is on the minus strand). VCF-style: chr5-122075403-C-T. GRCh37 (hg19) VCF-style: chr5-121411098-C-T.
Other names: c.188+1G>A (NM_001178102.2); c.-14+1G>A (NM_001317073.1).
Identifiers: ClinVar variation 4726257 (VCV004726257.1).